The following is an entry in ClinVar:

ClinVar aggregate classification (germline): Conflicting classifications of pathogenicity. Review status: criteria provided, conflicting classifications (1 of 4 stars). 6 submissions from 6 submitters: Uncertain significance (1); Likely benign (4). 1 of the submissions does not count toward it. Last evaluated 2025-04-09.

Conditions:
AARS2-related disorder. Also called: AARS2-related condition; AARS2-related disorders. Identifiers: MedGen CN381518, MONDO:1060240.
Combined oxidative phosphorylation defect type 8. Also called: CARDIOMYOPATHY, HYPERTROPHIC MITOCHONDRIAL, FATAL INFANTILE. Identifiers: Orphanet 319504, MedGen C4518839, MONDO:0013570, OMIM 614096.

Allele frequency attached by ClinVar (database versions not stated): TOPMed 0.00007; ESP Exome Variant Server 0.00015; gnomAD exomes 0.00023 and 0.00042; ExAC 0.00045; 1000 Genomes Project 0.00060; 1000 Genomes Project 30x 0.00062.
gnomAD v4.1: 363 of 1,614,052 alleles (0.022%); highest among the groups gnomAD compares: South Asian, 0.29%; 6 homozygotes.

Submissions (6):

Molecular Diagnostic Laboratory for Inherited Cardiovascular Disease, Montreal Heart Institute
Classification: Likely benign. Last evaluated: 2025-04-09. Review status: criteria provided, single submitter. Criteria: ACMG Guidelines, 2015. Collection method: clinical testing. Allele origin: germline. Affected: no.

Blueprint Genetics
Classification: Likely benign. Last evaluated: 2024-10-30. Review status: criteria provided, single submitter. Criteria: ACMG Guidelines, 2015. Collection method: clinical testing. Allele origin: germline.

Labcorp Genetics (formerly Invitae), Labcorp
Classification: Likely benign. Last evaluated: 2024-06-03. Review status: criteria provided, single submitter. Criteria: Invitae Variant Classification Sherloc (09022015). Collection method: clinical testing. Allele origin: germline.

CeGaT Center for Human Genetics Tuebingen
Classification: Likely benign. Last evaluated: 2021-07-01. Review status: criteria provided, single submitter. Criteria: CeGaT Center For Human Genetics Tuebingen Variant Classification Criteria Version 2. Collection method: clinical testing. Allele origin: germline. Affected: yes. Observed: 1 variant allele.

Illumina Laboratory Services, Illumina
Classification: Uncertain significance for Combined oxidative phosphorylation defect type 8. Last evaluated: 2018-01-13. Review status: criteria provided, single submitter. Criteria: ICSL Variant Classification Criteria 13 December 2019. Collection method: clinical testing. Allele origin: germline.

PreventionGenetics, part of Exact Sciences
Classification: Likely benign for AARS2-related condition. Last evaluated: 2019-05-14. Review status: no assertion criteria provided. Collection method: clinical testing. Allele origin: germline. Not counted in ClinVar's aggregate classification.
Comment: This variant is classified as likely benign based on ACMG/AMP sequence variant interpretation guidelines (Richards et al. 2015 PMID: 25741868, with internal and published modifications).

NM_020745.4(AARS2):c.1569C>T (p.Ser523=)

Gene: AARS2 (alanyl-tRNA synthetase 2, mitochondrial; minus strand). Cytogenetic location: 6p21.1.
Variant type: single nucleotide variant.
Coding change: c.1569C>T on transcript NM_020745.4 (MANE Select); coding-DNA position 1569, C replaced by T.
Protein change: p.Ser523=; no amino-acid change (serine 523 retained).
Molecular consequence: synonymous variant.
Genome position (GRCh38, 1-based): chr6:44,305,064, G>A on the plus strand (C>T on the coding strand, the complement: AARS2 is on the minus strand). VCF-style: chr6-44305064-G-A. GRCh37 (hg19) VCF-style: chr6-44272801-G-A.
Identifiers: ClinVar variation 357069 (VCV000357069.49), dbSNP rs374173311, ClinGen allele CA3834299.